The following is an entry in ClinVar:

NM_002246.3(KCNK3):c.877G>T (p.Gly293Cys)

Gene: KCNK3 (potassium two pore domain channel subfamily K member 3; plus strand). Cytogenetic location: 2p23.3.
Variant type: single nucleotide variant.
Coding change: c.877G>T on transcript NM_002246.3 (MANE Select); coding-DNA position 877, G replaced by T.
Protein change: p.Gly293Cys; replaces glycine 293 with cysteine.
Molecular consequence: missense variant.
Genome position (GRCh38, 1-based): chr2:26,728,260, G>T. VCF-style: chr2-26728260-G-T. GRCh37 (hg19) VCF-style: chr2-26951128-G-T.
Other names: short protein forms G293C.
Identifiers: ClinVar variation 1900683 (VCV001900683.5), dbSNP rs753913235, ClinGen allele CA1565567.
Genomic context (GRCh38, chr2:26,728,260, plus strand): 5'-GGCGGAGGGGGTGGCAGCGCGCACACTACGGACACCGCCTCATCCACGGCGGCAGCGGGC[G>T]GCGGCGGCTTCCGCAACGTCTACGCGGAGGTGCTGCACTTCCAGTCCATGTGCTCGTGCC-3'
Protein context (NP_002237.1, residues 283-303): DTASSTAAAG[Gly293Cys]GGFRNVYAEV

ClinVar aggregate classification (germline): Uncertain significance (1 of 4 stars; one submission).

Conditions:
Pulmonary hypertension, primary, 4. Identifiers: Orphanet 422, MedGen C3809198, MONDO:0014136, OMIM 615344.

Allele frequency attached by ClinVar (database versions not stated): gnomAD exomes below 0.00001; ExAC 0.00003.
gnomAD v4.1: 1 of 1,585,152 alleles (0.000063%); highest among the groups gnomAD compares: East Asian, 0.0023%; no homozygotes.

Submission:

Labcorp Genetics (formerly Invitae), Labcorp
Classification: Uncertain significance for Pulmonary hypertension, primary, 4. Last evaluated: 2024-04-29. Review status: criteria provided, single submitter. Criteria: Invitae Variant Classification Sherloc (09022015). Collection method: clinical testing. Allele origin: germline.
Comment: This sequence change replaces glycine, which is neutral and non-polar, with cysteine, which is neutral and slightly polar, at codon 293 of the KCNK3 protein (p.Gly293Cys). This variant is not present in population databases (gnomAD no frequency). This variant has not been reported in the literature in individuals affected with KCNK3-related conditions. ClinVar contains an entry for this variant (Variation ID: 1900683). Advanced modeling of protein sequence and biophysical properties (such as structural, functional, and spatial information, amino acid conservation, physicochemical variation, residue mobility, and thermodynamic stability) performed at Invitae indicates that this missense variant is not expected to disrupt KCNK3 protein function with a negative predictive value of 80%. In summary, the available evidence is currently insufficient to determine the role of this variant in disease. Therefore, it has been classified as a Variant of Uncertain Significance.